The following is an entry in ClinVar:

ClinVar aggregate classification (germline): Benign/Likely benign. Review status: criteria provided, multiple submitters, no conflicts (2 of 4 stars). 3 submissions from 3 submitters: Benign (1); Likely benign (2). Last evaluated 2026-09-01.

Allele frequency attached by ClinVar (database versions not stated): 1000 Genomes Project 0.00579; 1000 Genomes Project 30x 0.00593; gnomAD 0.01375 and 0.01469; TOPMed 0.01692.
gnomAD v4.1: 29,618 of 1,609,370 alleles (1.8%); highest among the groups gnomAD compares: Middle Eastern, 2.9%; 327 homozygotes.

Submissions (3):

CeGaT Center for Human Genetics Tuebingen
Classification: Benign. Last evaluated: 2026-09-01. Review status: criteria provided, single submitter. Criteria: CeGaT Center For Human Genetics Tuebingen Variant Classification Criteria Version 2. Collection method: clinical testing. Allele origin: germline. Affected: yes. Observed: 6 variant alleles.
Comment: ABCA4: BS1, BS2

GeneDx
Classification: Likely benign. Last evaluated: 2015-03-03. Review status: criteria provided, single submitter. Criteria: GeneDx Variant Classification Process June 2021. Collection method: clinical testing. Allele origin: germline. Affected: yes.

Breakthrough Genomics
Classification: Likely benign. Review status: criteria provided, single submitter. Criteria: ACMG Guidelines, 2015. Collection method: not provided. Allele origin: germline. Inheritance: Autosomal recessive inheritance. Affected: yes.

NM_000350.3(ABCA4):c.6729+61G>A

Gene: ABCA4 (ATP binding cassette subfamily A member 4; minus strand). Cytogenetic location: 1p22.1.
Variant type: single nucleotide variant.
Coding change: c.6729+61G>A on transcript NM_000350.3 (MANE Select); 61 bases into the intron after coding-DNA position 6729, G replaced by A.
Molecular consequence: intron variant.
Genome position (GRCh38, 1-based): chr1:93,997,800, C>T on the plus strand (G>A on the coding strand, the complement: ABCA4 is on the minus strand). VCF-style: chr1-93997800-C-T. GRCh37 (hg19) VCF-style: chr1-94463356-C-T.
Identifiers: ClinVar variation 1195666 (VCV001195666.11), dbSNP rs56086814, ClinGen allele CA10986609.